The following is an entry in ClinVar:

NM_000552.5(VWF):c.6311C>T (p.Thr2104Ile)

Gene: VWF (von Willebrand factor; minus strand). Cytogenetic location: 12p13.31.
Variant type: single nucleotide variant.
Coding change: c.6311C>T on transcript NM_000552.5 (MANE Select); coding-DNA position 6311, C replaced by T.
Protein change: p.Thr2104Ile; replaces threonine 2104 with isoleucine.
Molecular consequence: missense variant.
Genome position (GRCh38, 1-based): chr12:5,994,149, G>A on the plus strand (C>T on the coding strand, the complement: VWF is on the minus strand). VCF-style: chr12-5994149-G-A. GRCh37 (hg19) VCF-style: chr12-6103315-G-A.
Other names: short protein forms T2104I.
Identifiers: ClinVar variation 100437 (VCV000100437.3), dbSNP rs61750616, ClinGen allele CA228736.

ClinVar aggregate classification (germline): Uncertain significance. Review status: criteria provided, single submitter (1 of 4 stars). 3 submissions from 3 submitters: Uncertain significance (1). 2 of the submissions do not count toward it. Last evaluated 2025-07-22.

Conditions:
Hereditary von Willebrand disease. Identifiers: Orphanet 903, MedGen C5703318, MONDO:0019565. Inheritance: Autosomal recessive or Autosomal dominant.

Allele frequency attached by ClinVar (database versions not stated): TOPMed below 0.00001; gnomAD 0.00001; gnomAD exomes 0.00001 and 0.00004.
gnomAD v4.1: 64 of 1,613,990 alleles (0.004%); highest among the groups gnomAD compares: East Asian, 0.14%; no homozygotes.

Submissions (3):

ARUP Laboratories, Molecular Genetics and Genomics, ARUP Laboratories
Classification: Uncertain significance. Last evaluated: 2025-07-22. Review status: criteria provided, single submitter. Criteria: ARUP Molecular Germline Variant Investigation Process 2024. Collection method: clinical testing. Allele origin: germline.
Comment: The VWF c.6311C>T; p.Thr2104Ile variant (rs61750616, ClinVar Variation ID: 100437) is reported in the literature in an at least one affected individual with von Willebrand disease type 1 but was absent in an affected relative (James 2007, Robertson 2011). This variant is only observed on two alleles in the Genome Aggregation Database (v2.1.1), indicating it is not a common polymorphism. Computational analyses are uncertain whether this variant is neutral or deleterious (REVEL: 0.335). Due to limited information, the clinical significance of this variant is uncertain at this time. References: James PD et al. The mutational spectrum of type 1 von Willebrand disease: Results from a Canadian cohort study. Blood. 2007 Jan 1;109(1):145-54. PMID: 17190853. Robertson JD et al. Expanded phenotype-genotype correlations in a pediatric population with type 1 von Willebrand disease. J Thromb Haemost. 2011 Sep;9(9):1752-60. PMID: 21711445.

Academic Unit of Haematology, University of Sheffield
No classification provided. Review status: no classification provided. Collection method: not provided. Allele origin: not provided. Not counted in ClinVar's aggregate classification.

ISTH-SSC Genomics in Thrombosis and Hemostasis, KU Leuven, Center for Molecular and Vascular Biology
Classification: Uncertain significance for von Willebrand disorder. Review status: no assertion criteria provided. Collection method: research. Allele origin: unknown. Affected: yes. Not counted in ClinVar's aggregate classification.
Comment: Submitted to GoldVariant by Dr Karyn Mégy from NIHR Bioresource - Cambridge University, UK